The following is an entry in ClinVar:

ClinVar aggregate classification (germline): Uncertain significance (1 of 4 stars; one submission).

gnomAD v4.1: 5 of 1,535,268 alleles (0.00033%); highest among the groups gnomAD compares: African/African-American, 0.0069%; no homozygotes.

Submission:

Women's Health and Genetics/Laboratory Corporation of America, LabCorp
Classification: Uncertain significance. Last evaluated: 2026-04-27. Review status: criteria provided, single submitter. Criteria: LabCorp Variant Classification Summary - May 2015. Collection method: clinical testing. Allele origin: germline.
Comment: Variant summary: PET100 c.139-1G>A is located in a canonical splice-site in the last intron and is predicted to affect mRNA splicing resulting in a significantly altered protein due to either exon skipping, shortening, or inclusion of intronic material. Variants that disrupt the consensus splice site are a relatively common cause of aberrant splicing and loss of PET100 function. Several computational tools predict a significant impact on normal splicing: Four predict the variant abolishes a 3' acceptor site. Three predict the variant creates a 3' acceptor site. However, these predictions have yet to be confirmed by functional studies. The variant allele was found at a frequency of 7.3e-06 in 137682 control chromosomes. The available data on variant occurrences in the general population are insufficient to allow any conclusion about variant significance. To our knowledge, no occurrence of c.139-1G>A in individuals affected with PET100-related conditions and no experimental evidence demonstrating its impact on protein function have been reported. No submitters have cited clinical-significance assessments for this variant to ClinVar. Based on the evidence outlined above, the variant was classified as uncertain significance.

NM_001171155.2(PET100):c.139-1G>A

Genes: PET100 (PET100 cytochrome c oxidase chaperone; plus strand), STXBP2 (syntaxin binding protein 2; plus strand). Cytogenetic location: 19p13.2.
Variant type: single nucleotide variant.
Coding change: c.139-1G>A on transcript NM_001171155.2 (MANE Select); the canonical splice acceptor site of the intron before coding-DNA position 139, G replaced by A.
Molecular consequence: splice acceptor variant. On other transcripts: intron variant (1).
Genome position (GRCh38, 1-based): chr19:7,631,472, G>A. VCF-style: chr19-7631472-G-A. GRCh37 (hg19) VCF-style: chr19-7696358-G-A.
Other names: c.-60+626G>A (NM_001414484.1).
Identifiers: ClinVar variation 4849079 (VCV004849079.1).